The following is an entry in ClinVar:

ClinVar aggregate classification (germline): Uncertain significance. Review status: criteria provided, multiple submitters, no conflicts (2 of 4 stars). 2 submissions from 2 submitters: Uncertain significance (2). Last evaluated 2024-09-17.

Conditions:
Oligodontia-cancer predisposition syndrome. Also called: TOOTH AGENESIS-COLORECTAL CANCER SYNDROME. Identifiers: Orphanet 300576, MedGen C1837750, MONDO:0012075, OMIM 608615. Disease mechanism: loss of function.

Submissions (2):

Blueprint Genetics
Classification: Uncertain significance. Last evaluated: 2024-09-17. Review status: criteria provided, single submitter. Criteria: ACMG Guidelines, 2015. Collection method: clinical testing. Allele origin: germline.

Labcorp Genetics (formerly Invitae), Labcorp
Classification: Uncertain significance for Oligodontia-cancer predisposition syndrome. Last evaluated: 2022-02-03. Review status: criteria provided, single submitter. Criteria: Invitae Variant Classification Sherloc (09022015). Collection method: clinical testing. Allele origin: germline.
Comment: This variant is not present in population databases (gnomAD no frequency). This sequence change replaces lysine, which is basic and polar, with methionine, which is neutral and non-polar, at codon 782 of the AXIN2 protein (p.Lys782Met). This variant has not been reported in the literature in individuals affected with AXIN2-related conditions. In summary, the available evidence is currently insufficient to determine the role of this variant in disease. Therefore, it has been classified as a Variant of Uncertain Significance. Algorithms developed to predict the effect of missense changes on protein structure and function are either unavailable or do not agree on the potential impact of this missense change (SIFT: "Deleterious"; PolyPhen-2: "Probably Damaging"; Align-GVGD: "Class C0").

NM_004655.4(AXIN2):c.2345A>T (p.Lys782Met)

Gene: AXIN2 (axin 2; minus strand). Cytogenetic location: 17q24.1.
Variant type: single nucleotide variant.
Coding change: c.2345A>T on transcript NM_004655.4 (MANE Select); coding-DNA position 2345, A replaced by T.
Protein change: p.Lys782Met; replaces lysine 782 with methionine.
Molecular consequence: missense variant.
Genome position (GRCh38, 1-based): chr17:65,533,972, T>A on the plus strand (A>T on the coding strand, the complement: AXIN2 is on the minus strand). VCF-style: chr17-65533972-T-A. GRCh37 (hg19) VCF-style: chr17-63530090-T-A.
Other names: c.2150A>T, p.Lys717Met (NM_001363813.1); short protein forms K782M, K717M.
Identifiers: ClinVar variation 2092382 (VCV002092382.5), dbSNP rs2509388990, ClinGen allele CA400675451.